The following is an entry in ClinVar:

ClinVar aggregate classification (germline): Uncertain significance. Review status: criteria provided, multiple submitters, no conflicts (2 of 4 stars). 6 submissions from 6 submitters: Uncertain significance (3). 3 of the submissions do not count toward it. Last evaluated 2023-07-31.

Conditions:
TTN-related disorder. Also called: TTN-related condition; TTN-related disease; TTN-related disorders.
Dilated cardiomyopathy 1G (CMD1G). Identifiers: Orphanet 154, MedGen C1858763, MONDO:0011400, OMIM 604145.
Autosomal recessive limb-girdle muscular dystrophy type 2J (LGMDR10). Also called: MUSCULAR DYSTROPHY, LIMB-GIRDLE, AUTOSOMAL RECESSIVE 10; Limb-girdle muscular dystrophy, type 2J. Identifiers: Orphanet 140922, MedGen C1837342, MONDO:0012127, OMIM 608807.
Myopathy, myofibrillar, 9, with early respiratory failure (MFM9). Also called: EDSTROM MYOPATHY; MYOPATHY, PROXIMAL, WITH EARLY RESPIRATORY MUSCLE INVOLVEMENT; Myopathy, distal, with early respiratory failure, autosomal dominant; Hereditary myopathy with early respiratory failure. Identifiers: Orphanet 178464, Orphanet 34521, MedGen C1863599, MONDO:0011362, OMIM 603689.
Early-onset myopathy with fatal cardiomyopathy (CMYO5). Also called: CONGENITAL MYOPATHY 5 WITH CARDIOMYOPATHY; Salih Myopathy. Identifiers: Orphanet 289377, MedGen C2673677, MONDO:0012714, OMIM 611705. Disease mechanism: loss of function.
Hypertrophic cardiomyopathy 9. Also called: Familial hypertrophic cardiomyopathy 9. Identifiers: MedGen C1861065, MONDO:0013412, OMIM 613765.
Tibial muscular dystrophy (TMD). Also called: UDD MYOPATHY; Tibial muscular dystrophy, tardive; Udd Distal Myopathy – Tibial Muscular Dystrophy. Identifiers: Orphanet 609, MedGen C1838244, MONDO:0010870, OMIM 600334.

Allele frequency attached by ClinVar (database versions not stated): gnomAD exomes below 0.00001 and 0.00001; ExAC 0.00001; gnomAD 0.00001.
gnomAD v4.1: 9 of 1,613,790 alleles (0.00056%); highest among the groups gnomAD compares: African/African-American, 0.0067%; no homozygotes.

Submissions (6):

Labcorp Genetics (formerly Invitae), Labcorp
Classification: Uncertain significance for Dilated cardiomyopathy 1G; Autosomal recessive limb-girdle muscular dystrophy type 2J. Last evaluated: 2023-07-31. Review status: criteria provided, single submitter. Criteria: Invitae Variant Classification Sherloc (09022015). Collection method: clinical testing. Allele origin: germline.
Comment: In summary, the available evidence is currently insufficient to determine the role of this variant in disease. Therefore, it has been classified as a Variant of Uncertain Significance. This variant is located in the M band of TTN (PMID: 25589632). Variants in this region may be relevant for neuromuscular disorders, but have not been definitively shown to cause cardiomyopathy (PMID: 23975875). This sequence change replaces threonine, which is neutral and polar, with methionine, which is neutral and non-polar, at codon 35028 of the TTN protein (p.Thr35028Met). This variant is present in population databases (rs56001826, gnomAD 0.006%). This variant has not been reported in the literature in individuals affected with TTN-related conditions. ClinVar contains an entry for this variant (Variation ID: 203090). Experimental studies and prediction algorithms are not available or were not evaluated, and the functional significance of this variant is currently unknown.

PreventionGenetics, part of Exact Sciences
Classification: Uncertain significance for TTN-related condition. Last evaluated: 2023-02-08. Review status: criteria provided, single submitter. Criteria: ACMG Guidelines, 2015. Collection method: clinical testing. Allele origin: germline.
Comment: The TTN c.105083C>T variant is predicted to result in the amino acid substitution p.Thr35028Met. To our knowledge, this variant has not been reported in the literature. This variant is reported in 0.0056% of alleles in individuals of East Asian descent in gnomAD. At this time, the clinical significance of this variant is uncertain due to the absence of conclusive functional and genetic evidence.

Fulgent Genetics
Classification: Uncertain significance for Tibial muscular dystrophy; Myopathy, myofibrillar, 9, with early respiratory failure; Dilated cardiomyopathy 1G; Autosomal recessive limb-girdle muscular dystrophy type 2J; Early-onset myopathy with fatal cardiomyopathy; Hypertrophic cardiomyopathy 9. Last evaluated: 2021-08-23. Review status: criteria provided, single submitter. Criteria: ACMG Guidelines, 2015. Collection method: clinical testing. Allele origin: unknown.

GeneDx
No classification provided. Last evaluated: 2013-09-13. Review status: no classification provided. Criteria: GeneDx Variant Classification (06012015). Collection method: clinical testing. Allele origin: germline. Affected: yes. Not counted in ClinVar's aggregate classification.
Comment: Missense variants in the TTN gene are considered 'unclassified' if they are not previously reported in the literature and do not have >1% frequency in the population to be considered a polymorphism. Research indicates that truncating mutations in the TTN gene are expected to account for approximately 25% of familial and 18% of sporadic idiopathic DCM; however, truncating variants in the TTN gene have been reported in approximately 3% of reported control alleles. There has been little investigation into non-truncating variants. (Herman D et al. Truncations of titin causing dilated cardiomyopathy. N Eng J Med 366:619-628, 2012) The variant is found in DCM panel(s).

Clinical Genetics, Academic Medical Center
Classification: Uncertain significance. Review status: no assertion criteria provided. Collection method: clinical testing. Allele origin: germline. Affected: yes. Study: VKGL Data-share Consensus. Not counted in ClinVar's aggregate classification.

Genome Diagnostics Laboratory, University Medical Center Utrecht
Classification: Uncertain significance. Review status: no assertion criteria provided. Collection method: clinical testing. Allele origin: germline. Affected: yes. Study: VKGL Data-share Consensus. Not counted in ClinVar's aggregate classification.

Literature cited by the submitters: PubMed 25589632 (cited by Labcorp Genetics (formerly Invitae), Labcorp); PubMed 23975875 (cited by Labcorp Genetics (formerly Invitae), Labcorp).

NM_001267550.2(TTN):c.105083C>T (p.Thr35028Met)

Genes: TTN-AS1 (TTN antisense RNA 1; plus strand), TTN (titin; minus strand). Cytogenetic location: 2q31.2.
Variant type: single nucleotide variant.
Coding change: c.105083C>T on transcript NM_001267550.2 (MANE Select); coding-DNA position 105083, C replaced by T.
Protein change: p.Thr35028Met; replaces threonine 35028 with methionine.
Molecular consequence: missense variant.
Genome position (GRCh38, 1-based): chr2:178,531,532, G>A on the plus strand (C>T on the coding strand, the complement: TTN is on the minus strand). VCF-style: chr2-178531532-G-A. GRCh37 (hg19) VCF-style: chr2-179396259-G-A.
Other names: p.T33387M:ACG>ATG; c.100160C>T, p.Thr33387Met (NM_001256850.1); c.77888C>T, p.Thr25963Met (NM_003319.4); c.97379C>T, p.Thr32460Met (NM_133378.4); c.78263C>T, p.Thr26088Met (NM_133432.3); c.78464C>T, p.Thr26155Met (NM_133437.4); short protein forms T33387M, T35028M, T26155M, T26088M, T32460M, T25963M.
Identifiers: ClinVar variation 203090 (VCV000203090.11), dbSNP rs56001826, ClinGen allele CA311208.